The following is an entry in ClinVar:

ClinVar aggregate classification (germline): Uncertain significance (1 of 4 stars; one submission).

Submission:

Labcorp Genetics (formerly Invitae), Labcorp
Classification: Uncertain significance. Last evaluated: 2022-06-07. Review status: criteria provided, single submitter. Criteria: Invitae Variant Classification Sherloc (09022015). Collection method: clinical testing. Allele origin: germline.
Comment: This sequence change replaces serine, which is neutral and polar, with asparagine, which is neutral and polar, at codon 924 of the NFKB1 protein (p.Ser924Asn). In summary, the available evidence is currently insufficient to determine the role of this variant in disease. Therefore, it has been classified as a Variant of Uncertain Significance. Algorithms developed to predict the effect of missense changes on protein structure and function are either unavailable or do not agree on the potential impact of this missense change (SIFT: "Deleterious"; PolyPhen-2: "Benign"; Align-GVGD: "Class C0"). This variant has not been reported in the literature in individuals affected with NFKB1-related conditions. This variant is not present in population databases (gnomAD no frequency).

NM_003998.4(NFKB1):c.2771G>A (p.Ser924Asn)

Gene: NFKB1 (nuclear factor kappa B subunit 1; plus strand). Cytogenetic location: 4q24.
Variant type: single nucleotide variant.
Coding change: c.2771G>A on transcript NM_003998.4 (MANE Select); coding-DNA position 2771, G replaced by A.
Protein change: p.Ser924Asn; replaces serine 924 with asparagine.
Molecular consequence: missense variant.
Genome position (GRCh38, 1-based): chr4:102,616,455, G>A. VCF-style: chr4-102616455-G-A. GRCh37 (hg19) VCF-style: chr4-103537612-G-A.
Other names: c.2768G>A, p.Ser923Asn (NM_001165412.2, NM_001319226.2, NM_001382627.1); c.2771G>A, p.Ser924Asn (NM_001382625.1, NM_001382626.1); c.2729G>A, p.Ser910Asn (NM_001382628.1); short protein forms S910N, S923N, S924N.
Identifiers: ClinVar variation 2003110 (VCV002003110.4), dbSNP rs2476646970, ClinGen allele CA357755720.